The following is an entry in ClinVar:

ClinVar aggregate classification (germline): Uncertain significance (1 of 4 stars; one submission).

Submission:

GeneDx
Classification: Uncertain significance. Last evaluated: 2022-05-17. Review status: criteria provided, single submitter. Criteria: GeneDx Variant Classification Process June 2021. Collection method: clinical testing. Allele origin: germline. Affected: yes.
Comment: Not observed at significant frequency in large population cohorts (gnomAD); In silico analysis supports that this missense variant does not alter protein structure/function; Has not been previously published as pathogenic or benign to our knowledge

NM_001347721.2(DYRK1A):c.1177A>G (p.Thr393Ala)

Gene: DYRK1A (dual specificity tyrosine phosphorylation regulated kinase 1A; plus strand). Cytogenetic location: 21q22.13.
Variant type: single nucleotide variant.
Coding change: c.1177A>G on transcript NM_001347721.2 (MANE Select); coding-DNA position 1177, A replaced by G.
Protein change: p.Thr393Ala; replaces threonine 393 with alanine.
Molecular consequence: missense variant.
Genome position (GRCh38, 1-based): chr21:37,496,223, A>G. VCF-style: chr21-37496223-A-G. GRCh37 (hg19) VCF-style: chr21-38868525-A-G.
Other names: c.1177A>G, p.Thr393Ala (NM_001347722.2, NM_130436.2); c.1090A>G, p.Thr364Ala (NM_001347723.2); c.1204A>G, p.Thr402Ala (NM_001396.5, NM_101395.2, NM_130438.2); short protein forms T364A, T393A, T402A.
Identifiers: ClinVar variation 1801946 (VCV001801946.1), dbSNP rs2518048398, ClinGen allele CA409937134.